The following is an entry in ClinVar:

NM_001481.3(DRC4):c.428G>A (p.Arg143Gln)

Gene: DRC4 (dynein regulatory complex subunit 4; plus strand). Cytogenetic location: 16q24.3.
Variant type: single nucleotide variant.
Coding change: c.428G>A on transcript NM_001481.3 (MANE Select); coding-DNA position 428, G replaced by A.
Protein change: p.Arg143Gln; replaces arginine 143 with glutamine.
Molecular consequence: missense variant. On other transcripts: 5 prime UTR variant (1).
Genome position (GRCh38, 1-based): chr16:90,032,857, G>A. VCF-style: chr16-90032857-G-A. GRCh37 (hg19) VCF-style: chr16-90099265-G-A.
Other names: c.179G>A, p.Arg60Gln (NM_001286205.2); c.-94G>A (NM_001286208.2); c.353G>A, p.Arg118Gln (NM_001286209.2); short protein forms R118Q, R143Q, R60Q.
Identifiers: ClinVar variation 4787879 (VCV004787879.1).
Genomic context (GRCh38, chr16:90,032,857, plus strand): 5'-TCATGAAGCTGGCACAGAAAGAGCACCGCATACAGGAGAGTGTGCTGCGCAAGGACATGC[G>A]GGCACTGAAGGTGGAGCTCAAGGAGCAGGAGCTGGCCAGTGAGGTGGTGGTGAAGAACCT-3'
Protein context (NP_001472.1, residues 133-153): IQESVLRKDM[Arg143Gln]ALKVELKEQE

ClinVar aggregate classification (germline): Uncertain significance (1 of 4 stars; one submission).

Conditions:
Primary ciliary dyskinesia 33. Also called: CILIARY DYSKINESIA, PRIMARY, 33, WITHOUT SITUS INVERSUS. Identifiers: Orphanet 244, MedGen C4225230, MONDO:0014750, OMIM 616726.

gnomAD v4.1: 11 of 1,613,778 alleles (0.00068%); highest among the groups gnomAD compares: African/African-American, 0.004%; no homozygotes.

Submission:

Labcorp Genetics (formerly Invitae), Labcorp
Classification: Uncertain significance for Primary ciliary dyskinesia 33. Last evaluated: 2025-09-09. Review status: criteria provided, single submitter. Criteria: Invitae Variant Classification Sherloc (09022015). Collection method: clinical testing. Allele origin: germline.
Comment: This sequence change replaces arginine, which is basic and polar, with glutamine, which is neutral and polar, at codon 143 of the GAS8 protein (p.Arg143Gln). The frequency data for this variant in the population databases is considered unreliable, as metrics indicate poor data quality at this position in the gnomAD database. This variant has not been reported in the literature in individuals affected with GAS8-related conditions. Invitae Evidence Modeling of protein sequence and biophysical properties (such as structural, functional, and spatial information, amino acid conservation, physicochemical variation, residue mobility, and thermodynamic stability) indicates that this missense variant is not expected to disrupt GAS8 protein function with a negative predictive value of 80%. In summary, the available evidence is currently insufficient to determine the role of this variant in disease. Therefore, it has been classified as a Variant of Uncertain Significance.